The following is an entry in ClinVar:

NM_000883.4(IMPDH1):c.274A>G (p.Ser92Gly)

Gene: IMPDH1 (inosine monophosphate dehydrogenase 1; minus strand). Cytogenetic location: 7q32.1.
Variant type: single nucleotide variant.
Coding change: c.274A>G on transcript NM_000883.4 (MANE Select); coding-DNA position 274, A replaced by G.
Protein change: p.Ser92Gly; replaces serine 92 with glycine.
Molecular consequence: missense variant. On other transcripts: intron variant (2).
Genome position (GRCh38, 1-based): chr7:128,405,846, T>C on the plus strand (A>G on the coding strand, the complement: IMPDH1 is on the minus strand). VCF-style: chr7-128405846-T-C. GRCh37 (hg19) VCF-style: chr7-128045900-T-C.
Other names: c.244A>G, p.Ser82Gly (NM_001102605.2); c.19A>G, p.Ser7Gly (NM_001142573.2, NM_001142574.2, NM_001142575.2); c.166A>G, p.Ser56Gly (NM_183243.3); c.147-2092A>G (NM_001304521.2); c.255-2092A>G (NM_001142576.2); short protein forms S56G, S82G, S7G, S92G.
Identifiers: ClinVar variation 2057192 (VCV002057192.4), dbSNP rs1268550524, ClinGen allele CA369178589.

ClinVar aggregate classification (germline): Uncertain significance (1 of 4 stars; one submission).

gnomAD v4.1: 1 of 1,536,020 alleles (0.000065%); highest among the groups gnomAD compares: Non-Finnish European, 0.000087%; no homozygotes.

Submission:

Labcorp Genetics (formerly Invitae), Labcorp
Classification: Uncertain significance. Last evaluated: 2022-09-06. Review status: criteria provided, single submitter. Criteria: Invitae Variant Classification Sherloc (09022015). Collection method: clinical testing. Allele origin: germline.
Comment: This sequence change replaces serine, which is neutral and polar, with glycine, which is neutral and non-polar, at codon 92 of the IMPDH1 protein (p.Ser92Gly). This variant is not present in population databases (gnomAD no frequency). This variant has not been reported in the literature in individuals affected with IMPDH1-related conditions. Algorithms developed to predict the effect of missense changes on protein structure and function (SIFT, PolyPhen-2, Align-GVGD) all suggest that this variant is likely to be tolerated. In summary, the available evidence is currently insufficient to determine the role of this variant in disease. Therefore, it has been classified as a Variant of Uncertain Significance.